The following is an entry in ClinVar:

NM_004415.4(DSP):c.2390T>C (p.Val797Ala)

Gene: DSP (desmoplakin; plus strand). Cytogenetic location: 6p24.3.
Variant type: single nucleotide variant.
Coding change: c.2390T>C on transcript NM_004415.4 (MANE Select); coding-DNA position 2390, T replaced by C.
Protein change: p.Val797Ala; replaces valine 797 with alanine.
Molecular consequence: missense variant.
Genome position (GRCh38, 1-based): chr6:7,574,749, T>C. VCF-style: chr6-7574749-T-C. GRCh37 (hg19) VCF-style: chr6-7574982-T-C.
Other names: c.2390T>C, p.Val797Ala (NM_001008844.3, NM_001319034.2); short protein forms V797A.
Identifiers: ClinVar variation 1171250 (VCV001171250.3), dbSNP rs2113684220, ClinGen allele CA362681220.
Genomic context (GRCh38, chr6:7,574,749, plus strand): 5'-TTCTCCAAACAGAAGACATGTTAAAGGTTTATGAAGCCAGGCTCACTGAGGAGGAAACTG[T>C]CTGCCTGGACCTGGATAAAGTGGAAGCTTACCGCTGTGGACTGAAGGTAACTTGAAAGCT-3'
Protein context (NP_004406.2, residues 787-807): YEARLTEEET[Val797Ala]CLDLDKVEAY

ClinVar aggregate classification (germline): Uncertain significance (1 of 4 stars; one submission).

Conditions:
Cardiomyopathy (CMYO). Also called: Cardiomyopathies. Identifiers: Orphanet 167848, MedGen C0878544, MONDO:0004994, HP:0001638. Inheritance: Various modes of inheritance.

Submission:

Color Diagnostics, LLC DBA Color Health
Classification: Uncertain significance for Cardiomyopathy. Last evaluated: 2024-03-06. Review status: criteria provided, single submitter. Criteria: ACMG Guidelines, 2015. Collection method: clinical testing. Allele origin: germline.
Comment: This missense variant replaces valine with alanine at codon 797 of the DSP protein. Computational prediction suggests that this variant may not impact protein structure and function (internally defined REVEL score threshold <= 0.5, PMID: 27666373). To our knowledge, functional studies have not been reported for this variant. This variant has not been reported in individuals affected with cardiovascular disorders in the literature. This variant has not been identified in the general population by the Genome Aggregation Database (gnomAD). The available evidence is insufficient to determine the role of this variant in disease conclusively. Therefore, this variant is classified as a Variant of Uncertain Significance.